The following is an entry in ClinVar:

ClinVar aggregate classification (germline): Uncertain significance (1 of 4 stars; one submission).

Allele frequency attached by ClinVar (database versions not stated): gnomAD 0.00011; gnomAD exomes 0.00018; TOPMed 0.00018; ExAC 0.00024.
gnomAD v4.1: 283 of 1,614,030 alleles (0.018%); highest among the groups gnomAD compares: East Asian, 0.04%; no homozygotes.

Submission:

Labcorp Genetics (formerly Invitae), Labcorp
Classification: Uncertain significance. Last evaluated: 2022-07-02. Review status: criteria provided, single submitter. Criteria: Invitae Variant Classification Sherloc (09022015). Collection method: clinical testing. Allele origin: germline.
Comment: This variant has not been reported in the literature in individuals affected with MTHFS-related conditions. This variant is present in population databases (rs772103355, gnomAD 0.1%), and has an allele count higher than expected for a pathogenic variant. This sequence change replaces arginine, which is basic and polar, with tryptophan, which is neutral and slightly polar, at codon 84 of the MTHFS protein (p.Arg84Trp). In summary, the available evidence is currently insufficient to determine the role of this variant in disease. Therefore, it has been classified as a Variant of Uncertain Significance. Algorithms developed to predict the effect of missense changes on protein structure and function are either unavailable or do not agree on the potential impact of this missense change (SIFT: "Deleterious"; PolyPhen-2: "Benign"; Align-GVGD: "Class C0").

NM_006441.4(MTHFS):c.250C>T (p.Arg84Trp)

Genes: MTHFS (methenyltetrahydrofolate synthetase; minus strand), ST20-MTHFS (ST20-MTHFS readthrough; minus strand). Cytogenetic location: 15q25.1.
Variant type: single nucleotide variant.
Coding change: c.250C>T on transcript NM_006441.4 (MANE Select); coding-DNA position 250, C replaced by T.
Protein change: p.Arg84Trp; replaces arginine 84 with tryptophan.
Molecular consequence: missense variant. On other transcripts: non-coding transcript variant (1).
Genome position (GRCh38, 1-based): chr15:79,889,222, G>A on the plus strand (C>T on the coding strand, the complement: MTHFS is on the minus strand). VCF-style: chr15-79889222-G-A. GRCh37 (hg19) VCF-style: chr15-80181564-G-A.
Other names: c.178C>T, p.Arg60Trp (NM_001199760.2); c.79C>T, p.Arg27Trp (NM_001199758.1); short protein forms R60W, R84W, R27W.
Identifiers: ClinVar variation 2073895 (VCV002073895.4), dbSNP rs772103355, ClinGen allele CA7690327.